The following is an entry in ClinVar:

ClinVar aggregate classification (germline): Uncertain significance (1 of 4 stars; one submission).

Submission:

GeneDx
Classification: Uncertain significance. Last evaluated: 2025-06-18. Review status: criteria provided, single submitter. Criteria: GeneDx Variant Classification Process June 2021. Collection method: clinical testing. Allele origin: germline. Affected: yes.
Comment: Not observed at significant frequency in large population cohorts (gnomAD); In silico analysis supports that this missense variant has a deleterious effect on protein structure/function; Has not been previously published as pathogenic or benign to our knowledge

NM_001194.4(HCN2):c.1657G>C (p.Val553Leu)

Gene: HCN2 (hyperpolarization activated cyclic nucleotide gated potassium and sodium channel 2; plus strand). Cytogenetic location: 19p13.3.
Variant type: single nucleotide variant.
Coding change: c.1657G>C on transcript NM_001194.4 (MANE Select); coding-DNA position 1657, G replaced by C.
Protein change: p.Val553Leu; replaces valine 553 with leucine.
Molecular consequence: missense variant.
Genome position (GRCh38, 1-based): chr19:613,320, G>C. VCF-style: chr19-613320-G-C. GRCh37 (hg19) VCF-style: chr19-613320-G-C.
Other names: short protein forms V553L.
Identifiers: ClinVar variation 4538921 (VCV004538921.1).